The following is an entry in ClinVar:

NM_001035.3(RYR2):c.876A>T (p.Gly292=)

Gene: RYR2 (ryanodine receptor 2; plus strand). Cytogenetic location: 1q43.
Variant type: single nucleotide variant.
Coding change: c.876A>T on transcript NM_001035.3 (MANE Select); coding-DNA position 876, A replaced by T.
Protein change: p.Gly292=; no amino-acid change (glycine 292 retained).
Molecular consequence: synonymous variant.
Genome position (GRCh38, 1-based): chr1:237,423,119, A>T. VCF-style: chr1-237423119-A-T. GRCh37 (hg19) VCF-style: chr1-237586419-A-T.
Other names: c.876A>T (NM_001035.2).
Identifiers: ClinVar variation 919007 (VCV000919007.15), dbSNP rs1306804742, ClinGen allele CA423810790.

ClinVar aggregate classification (germline): Likely benign. Review status: criteria provided, multiple submitters, no conflicts (2 of 4 stars). 5 submissions from 5 submitters: Likely benign (5). Last evaluated 2025-12-24.

Conditions:
Cardiovascular phenotype. Identifiers: MedGen CN230736.
Catecholaminergic polymorphic ventricular tachycardia 1. Also called: RYR2-Related Catecholaminergic Polymorphic Ventricular Tachycardia; VENTRICULAR TACHYCARDIA, STRESS-INDUCED POLYMORPHIC 1; VENTRICULAR TACHYCARDIA, CATECHOLAMINERGIC POLYMORPHIC, 1, WITH OR WITHOUT ATRIAL DYSFUNCTION AND/OR DILATED CARDIOMYOPATHY. Identifiers: Orphanet 3286, MedGen C1631597, MONDO:0011484, OMIM 604772.
Cardiomyopathy (CMYO). Also called: Cardiomyopathies. Identifiers: Orphanet 167848, MedGen C0878544, MONDO:0004994, HP:0001638. Inheritance: Various modes of inheritance.
Catecholaminergic polymorphic ventricular tachycardia (CVPT). Also called: Catecholamine-induced polymorphic ventricular tachycardia. Identifiers: Orphanet 3286, MedGen C5574922, MONDO:0017990.

Allele frequency attached by ClinVar (database versions not stated): gnomAD 0.00001; TOPMed 0.00001.
gnomAD v4.1: 27 of 1,613,616 alleles (0.0017%); highest among the groups gnomAD compares: Non-Finnish European, 0.0022%; no homozygotes.

Submissions (5):

Ambry Genetics
Classification: Likely benign for Cardiovascular phenotype. Last evaluated: 2025-12-24. Review status: criteria provided, single submitter. Criteria: Ambry Variant Classification Scheme 2023. Collection method: clinical testing. Allele origin: germline.

Labcorp Genetics (formerly Invitae), Labcorp
Classification: Likely benign for Catecholaminergic polymorphic ventricular tachycardia 1. Last evaluated: 2025-08-24. Review status: criteria provided, single submitter. Criteria: Invitae Variant Classification Sherloc (09022015). Collection method: clinical testing. Allele origin: germline.

Blueprint Genetics
Classification: Likely benign. Last evaluated: 2024-07-09. Review status: criteria provided, single submitter. Criteria: ACMG Guidelines, 2015. Collection method: clinical testing. Allele origin: germline.

All of Us Research Program, National Institutes of Health
Classification: Likely benign for Catecholaminergic polymorphic ventricular tachycardia. Last evaluated: 2023-08-23. Review status: criteria provided, single submitter. Criteria: ACMG Guidelines, 2015. Collection method: clinical testing. Allele origin: germline. Inheritance: Autosomal dominant inheritance. Observed: 4 variant alleles, 4 heterozygotes.
Comment: This study involves interpretation of variants in research participants for the purpose of population health screening. Participant phenotype was not available at the time of variant classification. Additional details can be found in publication PMID: 35346344, PMCID: PMC8962531

Color Diagnostics, LLC DBA Color Health
Classification: Likely benign for Cardiomyopathy. Last evaluated: 2019-01-20. Review status: criteria provided, single submitter. Criteria: ACMG Guidelines, 2015. Collection method: clinical testing. Allele origin: germline.